The following is an entry in ClinVar:

NM_000179.3(MSH6):c.1861C>G (p.Leu621Val)

Gene: MSH6 (mutS homolog 6; plus strand). Cytogenetic location: 2p16.3.
Variant type: single nucleotide variant.
Coding change: c.1861C>G on transcript NM_000179.3 (MANE Select); coding-DNA position 1861, C replaced by G.
Protein change: p.Leu621Val; replaces leucine 621 with valine.
Molecular consequence: missense variant.
Genome position (GRCh38, 1-based): chr2:47,799,844, C>G. VCF-style: chr2-47799844-C-G. GRCh37 (hg19) VCF-style: chr2-48026983-C-G.
Other names: c.1471C>G, p.Leu491Val (NM_001281492.2); c.955C>G, p.Leu319Val (NM_001281493.2, NM_001281494.2); short protein forms L491V, L319V, L621V.
Identifiers: ClinVar variation 1490586 (VCV001490586.11), dbSNP rs1669385359, ClinGen allele CA346749829.

ClinVar aggregate classification (germline): Uncertain significance. Review status: criteria provided, multiple submitters, no conflicts (2 of 4 stars). 2 submissions from 2 submitters: Uncertain significance (2). Last evaluated 2024-03-26.

Conditions:
Hereditary nonpolyposis colorectal neoplasms. Identifiers: MedGen C0009405, MeSH D003123.
Hereditary cancer-predisposing syndrome. Also called: Tumor predisposition; Hereditary neoplastic syndrome; Neoplastic Syndromes, Hereditary; Hereditary Cancer Syndrome. Identifiers: Orphanet 140162, MedGen C0027672, MeSH D009386, MONDO:0015356.

Allele frequency attached by ClinVar (database versions not stated): gnomAD exomes below 0.00001.
gnomAD v4.1: 1 of 1,614,172 alleles (0.000062%); highest among the groups gnomAD compares: Non-Finnish European, 0.000085%; no homozygotes.

Submissions (2):

Labcorp Genetics (formerly Invitae), Labcorp
Classification: Uncertain significance for Hereditary nonpolyposis colorectal neoplasms. Last evaluated: 2024-03-26. Review status: criteria provided, single submitter. Criteria: Invitae Variant Classification Sherloc (09022015). Collection method: clinical testing. Allele origin: germline.
Comment: This sequence change replaces leucine, which is neutral and non-polar, with valine, which is neutral and non-polar, at codon 621 of the MSH6 protein (p.Leu621Val). This variant is not present in population databases (gnomAD no frequency). This missense change has been observed in individual(s) with MSH6-related conditions (PMID: 31391288). ClinVar contains an entry for this variant (Variation ID: 1490586). Advanced modeling of protein sequence and biophysical properties (such as structural, functional, and spatial information, amino acid conservation, physicochemical variation, residue mobility, and thermodynamic stability) has been performed at Invitae for this missense variant, however the output from this modeling did not meet the statistical confidence thresholds required to predict the impact of this variant on MSH6 protein function. In summary, the available evidence is currently insufficient to determine the role of this variant in disease. Therefore, it has been classified as a Variant of Uncertain Significance.

Ambry Genetics
Classification: Uncertain significance for Hereditary cancer-predisposing syndrome. Last evaluated: 2023-05-03. Review status: criteria provided, single submitter. Criteria: Ambry Variant Classification Scheme 2023. Collection method: clinical testing. Allele origin: germline.
Comment: The p.L621V variant (also known as c.1861C>G), located in coding exon 4 of the MSH6 gene, results from a C to G substitution at nucleotide position 1861. The leucine at codon 621 is replaced by valine, an amino acid with highly similar properties. This amino acid position is highly conserved in available vertebrate species. In addition, the in silico prediction for this alteration is inconclusive. Since supporting evidence is limited at this time, the clinical significance of this alteration remains unclear.

Literature cited by the submitters: PubMed 31391288 (cited by Labcorp Genetics (formerly Invitae), Labcorp).